The following is an entry in ClinVar:

ClinVar aggregate classification (germline): Pathogenic/Likely pathogenic. Review status: criteria provided, multiple submitters, no conflicts (2 of 4 stars). 2 submissions from 2 submitters: Pathogenic (1); Likely pathogenic (1). Last evaluated 2022-08-24.

Conditions:
RP1-related disorder. Also called: RP1-related condition.

Submissions (2):

Blueprint Genetics
Classification: Likely pathogenic for RP1-related disorders. Last evaluated: 2022-08-24. Review status: criteria provided, single submitter. Criteria: ACMG Guidelines, 2015. Collection method: clinical testing. Allele origin: germline. Affected: yes. Observed: 1 variant allele.

Labcorp Genetics (formerly Invitae), Labcorp
Classification: Pathogenic. Last evaluated: 2022-06-13. Review status: criteria provided, single submitter. Criteria: Invitae Variant Classification Sherloc (09022015). Collection method: clinical testing. Allele origin: germline.
Comment: This premature translational stop signal has been observed in individual(s) with autosomal recessive retinitis pigmentosa (PMID: 32565670). This variant is not present in population databases (gnomAD no frequency). This sequence change creates a premature translational stop signal (p.Leu105Valfs*10) in the RP1 gene. It is expected to result in an absent or disrupted protein product. Loss-of-function variants in RP1 are known to be pathogenic (PMID: 11960024, 19933189). For these reasons, this variant has been classified as Pathogenic.

Literature cited by the submitters: PubMed 32565670 (cited by Labcorp Genetics (formerly Invitae), Labcorp); PubMed 11960024 (cited by Labcorp Genetics (formerly Invitae), Labcorp); PubMed 19933189 (cited by Labcorp Genetics (formerly Invitae), Labcorp).

NM_006269.2(RP1):c.312_315del (p.Leu105fs)

Gene: RP1 (RP1 axonemal microtubule associated; plus strand). Cytogenetic location: 8q12.1.
Variant type: Microsatellite.
Coding change: c.312_315del on transcript NM_006269.2 (MANE Select); coding-DNA positions 312 to 315, 4 bases deleted (CCTA; older notation c.312_315delCCTA).
Protein change: p.Leu105fs; shifts the reading frame from leucine 105.
Molecular consequence: frameshift variant.
Genome position (GRCh38, 1-based): chr8:54,621,278-54,621,281, CCTA deleted; deleting any 4 consecutive bases within chr8:54,621,274-54,621,281 gives the same sequence; the c. name uses the placement nearest the transcript's 3' end. VCF-style (leftmost placement, unchanged base first): chr8-54621273-TCCTA-T. GRCh37 (hg19) VCF-style: chr8-55533833-TCCTA-T.
Other names: c.312_315del, p.Leu105fs (NM_001375654.1); short protein forms L105fs.
Identifiers: ClinVar variation 1069795 (VCV001069795.8), dbSNP rs1805857731, ClinGen allele CA1785186036.
Genomic context (GRCh38, chr8:54,621,273, plus strand): 5'-ATCAGCACCCCTCGGGGCAGGCACAGCATCACGCGCCTGGAGGAGCTGGAGGACGGCGAG[TCCTA>T]CCTATGTTCCCACGGCAGGAAGGTGCAGCCTGTAGACCTGGACAAAGCCCGTCGGCGCCC-3'